The following is an entry in ClinVar:

ClinVar aggregate classification (germline): Likely pathogenic. Review status: criteria provided, multiple submitters, no conflicts (2 of 4 stars). 3 submissions from 3 submitters: Likely pathogenic (3). Last evaluated 2024-03-06.

Conditions:
CNGA1-related disorder. Also called: CNGA1-related condition.
Retinitis pigmentosa 49 (RP49). Identifiers: Orphanet 791, MedGen C3151059, MONDO:0013405, OMIM 613756.

Allele frequency attached by ClinVar (database versions not stated): gnomAD exomes below 0.00001; ExAC 0.00001.

Submissions (3):

Fulgent Genetics
Classification: Likely pathogenic for Retinitis pigmentosa 49. Last evaluated: 2024-03-06. Review status: criteria provided, single submitter. Criteria: ACMG Guidelines, 2015. Collection method: clinical testing. Allele origin: germline.

CeGaT Center for Human Genetics Tuebingen
Classification: Likely pathogenic. Last evaluated: 2024-01-01. Review status: criteria provided, single submitter. Criteria: CeGaT Center For Human Genetics Tuebingen Variant Classification Criteria Version 2. Collection method: clinical testing. Allele origin: germline. Affected: yes. Observed: 2 variant alleles.
Comment: CNGA1: PVS1:Strong, PM2

Blueprint Genetics
Classification: Likely pathogenic for CNGA1-related disorders. Last evaluated: 2023-10-27. Review status: criteria provided, single submitter. Criteria: ACMG Guidelines, 2015. Collection method: clinical testing. Allele origin: germline. Affected: yes. Observed: 1 variant allele.

NM_001379270.1(CNGA1):c.816dup (p.Arg273fs)

Genes: CNGA1 (cyclic nucleotide gated channel subunit alpha 1; minus strand), LOC101927157 (uncharacterized LOC101927157; plus strand). Cytogenetic location: 4p12.
Variant type: Duplication.
Coding change: c.816dup on transcript NM_001379270.1 (MANE Select); coding-DNA position 816, one base duplicated (A; older notation c.816dupA).
Protein change: p.Arg273fs; shifts the reading frame from arginine 273.
Molecular consequence: frameshift variant.
Genome position (GRCh38, 1-based): chr4:47,937,666, T duplicated on the plus strand (A on the coding strand, the reverse complement: CNGA1 is on the minus strand). VCF-style (leftmost placement, unchanged base first): chr4-47937665-G-GT. GRCh37 (hg19) VCF-style: chr4-47939682-G-GT.
Other names: c.816dup, p.Arg273fs (NM_000087.5, NM_001142564.2); short protein forms R273fs.
Identifiers: ClinVar variation 631946 (VCV000631946.28), dbSNP rs767994904, ClinGen allele CA2911183.